The following is an entry in ClinVar:

NM_020919.4(ALS2):c.676A>G (p.Lys226Glu)

Gene: ALS2 (alsin Rho guanine nucleotide exchange factor ALS2; minus strand). Cytogenetic location: 2q33.1.
Variant type: single nucleotide variant.
Coding change: c.676A>G on transcript NM_020919.4 (MANE Select); coding-DNA position 676, A replaced by G.
Protein change: p.Lys226Glu; replaces lysine 226 with glutamic acid.
Molecular consequence: missense variant.
Genome position (GRCh38, 1-based): chr2:201,761,318, T>C on the plus strand (A>G on the coding strand, the complement: ALS2 is on the minus strand). VCF-style: chr2-201761318-T-C. GRCh37 (hg19) VCF-style: chr2-202626041-T-C.
Other names: c.676A>G, p.Lys226Glu (NM_001135745.2, NM_001410975.1); short protein forms K226E.
Identifiers: ClinVar variation 2086004 (VCV002086004.4), dbSNP rs2469915917, ClinGen allele CA350328347.

ClinVar aggregate classification (germline): Uncertain significance (1 of 4 stars; one submission).

Conditions:
Infantile-onset ascending hereditary spastic paralysis (IAHSP). Also called: Infantile-Onset Ascending Hereditary Spastic Paralysis (IAHSP); Autosomal Recessive Juvenile Amyotrophic Lateral Sclerosis. Identifiers: Orphanet 293168, MedGen C2931441, MONDO:0011797, OMIM 607225. Disease mechanism: loss of function.

Submission:

Labcorp Genetics (formerly Invitae), Labcorp
Classification: Uncertain significance for Infantile-onset ascending hereditary spastic paralysis. Last evaluated: 2022-09-07. Review status: criteria provided, single submitter. Criteria: Invitae Variant Classification Sherloc (09022015). Collection method: clinical testing. Allele origin: germline.
Comment: In summary, the available evidence is currently insufficient to determine the role of this variant in disease. Therefore, it has been classified as a Variant of Uncertain Significance. Algorithms developed to predict the effect of missense changes on protein structure and function (SIFT, PolyPhen-2, Align-GVGD) all suggest that this variant is likely to be tolerated. This variant has not been reported in the literature in individuals affected with ALS2-related conditions. This variant is not present in population databases (gnomAD no frequency). This sequence change replaces lysine, which is basic and polar, with glutamic acid, which is acidic and polar, at codon 226 of the ALS2 protein (p.Lys226Glu).